The following is an entry in ClinVar:

ClinVar aggregate classification (germline): Uncertain significance (1 of 4 stars; one submission).

Conditions:
Ectodermal dysplasia and immunodeficiency 2. Identifiers: Orphanet 238468, Orphanet 98813, MedGen C2677481, MONDO:0012806, OMIM 612132.

gnomAD v4.1: 3 of 1,581,914 alleles (0.00019%); highest among the groups gnomAD compares: South Asian, 0.0012%; no homozygotes.

Submission:

Labcorp Genetics (formerly Invitae), Labcorp
Classification: Uncertain significance for Ectodermal dysplasia and immunodeficiency 2. Last evaluated: 2021-05-06. Review status: criteria provided, single submitter. Criteria: Invitae Variant Classification Sherloc (09022015). Collection method: clinical testing. Allele origin: germline.
Comment: This sequence change replaces glycine with arginine at codon 19 of the NFKBIA protein (p.Gly19Arg). The glycine residue is moderately conserved and there is a moderate physicochemical difference between glycine and arginine. This variant is not present in population databases (ExAC no frequency). This variant has not been reported in the literature in individuals with NFKBIA-related conditions. Algorithms developed to predict the effect of missense changes on protein structure and function are either unavailable or do not agree on the potential impact of this missense change (SIFT: "Deleterious"; PolyPhen-2: "Benign"; Align-GVGD: "Class C0"). In summary, the available evidence is currently insufficient to determine the role of this variant in disease. Therefore, it has been classified as a Variant of Uncertain Significance.

NM_020529.3(NFKBIA):c.55G>A (p.Gly19Arg)

Genes: NFKBIA (NFKB inhibitor alpha; minus strand), LOC130055497 (ATAC-STARR-seq lymphoblastoid silent region 5676; plus strand). Cytogenetic location: 14q13.2.
Variant type: single nucleotide variant.
Coding change: c.55G>A on transcript NM_020529.3 (MANE Select); coding-DNA position 55, G replaced by A.
Protein change: p.Gly19Arg; replaces glycine 19 with arginine.
Molecular consequence: missense variant.
Genome position (GRCh38, 1-based): chr14:35,404,590, C>T on the plus strand (G>A on the coding strand, the complement: NFKBIA is on the minus strand). VCF-style: chr14-35404590-C-T. GRCh37 (hg19) VCF-style: chr14-35873796-C-T.
Other names: short protein forms G19R.
Identifiers: ClinVar variation 1424904 (VCV001424904.8), dbSNP rs2138834333, ClinGen allele CA389455411.
Genomic context (GRCh38, chr14:35,404,590, plus strand): 5'-CTTTCATGGAGTCCAGGCCGCTGTCGTGGCGGTCGTCCAGTAGCCGCTCCTTCTTCAGCC[C>T]GTCGCGGGGGCCCTCCATGGCCCACTCCTGGGGGCGCTCGGCCGCCTGGAACATGGCGCG-3'
Protein context (NP_065390.1, residues 9-29): QEWAMEGPRD[Gly19Arg]LKKERLLDDR